The following is an entry in ClinVar:

ClinVar aggregate classification (germline): Uncertain significance (1 of 4 stars; one submission).

Submission:

Labcorp Genetics (formerly Invitae), Labcorp
Classification: Uncertain significance. Last evaluated: 2022-11-22. Review status: criteria provided, single submitter. Criteria: Invitae Variant Classification Sherloc (09022015). Collection method: clinical testing. Allele origin: germline.
Comment: In summary, the available evidence is currently insufficient to determine the role of this variant in disease. Therefore, it has been classified as a Variant of Uncertain Significance. Experimental studies and prediction algorithms are not available or were not evaluated, and the functional significance of this variant is currently unknown. ClinVar contains an entry for this variant (Variation ID: 1515756). This variant has not been reported in the literature in individuals affected with ROR2-related conditions. This variant is not present in population databases (gnomAD no frequency). This variant, c.1639_1677dup, results in the insertion of 13 amino acid(s) of the ROR2 protein (p.Gln547_Gly559dup), but otherwise preserves the integrity of the reading frame.

NM_004560.4(ROR2):c.1639_1677dup (p.Gln547_Gly559dup)

Gene: ROR2 (receptor tyrosine kinase like orphan receptor 2; minus strand). Cytogenetic location: 9q22.31.
Variant type: Duplication.
Coding change: c.1639_1677dup on transcript NM_004560.4 (MANE Select); coding-DNA positions 1639 to 1677, 39 bases duplicated.
Protein change: p.Gln547_Gly559dup.
Molecular consequence: inframe insertion.
Genome position (GRCh38, 1-based): chr9:91,724,817-91,724,855, 39 bases duplicated; duplicating any 39 consecutive bases within chr9:91,724,817-91,724,856 gives the same sequence; the c. name uses the placement nearest the transcript's 3' end. GRCh37 (hg19): chr9:94,487,100-94,487,138.
Identifiers: ClinVar variation 1515756 (VCV001515756.6), dbSNP rs2118622964, ClinGen allele CA2573144756.